The following is an entry in ClinVar:

ClinVar aggregate classification (germline): Pathogenic (1 of 4 stars; one submission).

Submission:

Labcorp Genetics (formerly Invitae), Labcorp
Classification: Pathogenic. Last evaluated: 2025-11-28. Review status: criteria provided, single submitter. Criteria: Invitae Variant Classification Sherloc (09022015). Collection method: clinical testing. Allele origin: germline.
Comment: This sequence change creates a premature translational stop signal (p.Glu1133*) in the NBAS gene. It is expected to result in an absent or disrupted protein product. Loss-of-function variants in NBAS are known to be pathogenic (PMID: 26073778, 26541327, 27789416, 28031453). This variant is not present in population databases (gnomAD no frequency). This variant has not been reported in the literature in individuals affected with NBAS-related conditions. For these reasons, this variant has been classified as Pathogenic.

Literature cited by the submitters: PubMed 26073778; PubMed 26541327; PubMed 27789416; PubMed 28031453.

NM_015909.4(NBAS):c.3397G>T (p.Glu1133Ter)

Gene: NBAS (NBAS subunit of NRZ tethering complex; minus strand). Cytogenetic location: 2p24.3.
Variant type: single nucleotide variant.
Coding change: c.3397G>T on transcript NM_015909.4 (MANE Select); coding-DNA position 3397, G replaced by T.
Protein change: p.Glu1133Ter; replaces glutamic acid 1133 with a stop codon.
Molecular consequence: nonsense. On other transcripts: non-coding transcript variant (1).
Genome position (GRCh38, 1-based): chr2:15,379,795, C>A on the plus strand (G>T on the coding strand, the complement: NBAS is on the minus strand). VCF-style: chr2-15379795-C-A. GRCh37 (hg19) VCF-style: chr2-15519919-C-A.
Other names: short protein forms E1133*.
Identifiers: ClinVar variation 4732187 (VCV004732187.1).
Genomic context (GRCh38, chr2:15,379,795, plus strand): 5'-CTGGAGGATTTTCTGAACAAGCACTGCAGTGCATCATCTGTCCAGCCAGGTGGATGTTTT[C>A]AAGGCGACTAGAGCACAGAAGGCTTTCTGTAAATATCTGGAAAAAAGGAGAAACTGGAAT-3'